The following is an entry in ClinVar:

ClinVar aggregate classification (germline): Uncertain significance (1 of 4 stars; one submission).

Conditions:
Immunodeficiency, common variable, 10. Also called: IMMUNODEFICIENCY, COMMON VARIABLE, WITH CENTRAL ADRENAL INSUFFICIENCY; DEFICIT IN ANTERIOR PITUITARY FUNCTION AND VARIABLE IMMUNODEFICIENCY. Identifiers: MedGen C3809991, MONDO:0014260, OMIM 615577.

gnomAD v4.1: 3 of 1,613,928 alleles (0.00019%); no homozygotes.

Submission:

Labcorp Genetics (formerly Invitae), Labcorp
Classification: Uncertain significance for Immunodeficiency, common variable, 10. Last evaluated: 2024-06-02. Review status: criteria provided, single submitter. Criteria: Invitae Variant Classification Sherloc (09022015). Collection method: clinical testing. Allele origin: germline.
Comment: This sequence change replaces glycine, which is neutral and non-polar, with arginine, which is basic and polar, at codon 623 of the NFKB2 protein (p.Gly623Arg). This variant is not present in population databases (gnomAD no frequency). This variant has not been reported in the literature in individuals affected with NFKB2-related conditions. An algorithm developed to predict the effect of missense changes on protein structure and function (PolyPhen-2) suggests that this variant is likely to be disruptive. In summary, the available evidence is currently insufficient to determine the role of this variant in disease. Therefore, it has been classified as a Variant of Uncertain Significance.

NM_001322934.2(NFKB2):c.1867G>A (p.Gly623Arg)

Gene: NFKB2 (nuclear factor kappa B subunit 2; plus strand). Cytogenetic location: 10q24.32.
Variant type: single nucleotide variant.
Coding change: c.1867G>A on transcript NM_001322934.2 (MANE Select); coding-DNA position 1867, G replaced by A.
Protein change: p.Gly623Arg; replaces glycine 623 with arginine.
Molecular consequence: missense variant.
Genome position (GRCh38, 1-based): chr10:102,400,723, G>A. VCF-style: chr10-102400723-G-A. GRCh37 (hg19) VCF-style: chr10-104160480-G-A.
Other names: c.1867G>A, p.Gly623Arg (NM_001077494.3, NM_001261403.3, NM_001288724.1 and 1 more transcripts); c.1741G>A, p.Gly581Arg (NM_001322935.1); short protein forms G581R, G623R.
Identifiers: ClinVar variation 3671851 (VCV003671851.2).